The following is an entry in ClinVar:

NM_019616.4(F7):c.1025G>A (p.Arg342Gln)

Gene: F7 (coagulation factor VII; plus strand). Cytogenetic location: 13q34.
Variant type: single nucleotide variant.
Coding change: c.1025G>A on transcript NM_019616.4 (MANE Select); coding-DNA position 1025, G replaced by A.
Protein change: p.Arg342Gln; replaces arginine 342 with glutamine.
Molecular consequence: missense variant. On other transcripts: non-coding transcript variant (1).
Genome position (GRCh38, 1-based): chr13:113,118,698, G>A. VCF-style: chr13-113118698-G-A. GRCh37 (hg19) VCF-style: chr13-113773012-G-A.
Other names: F7, ARG304GLN; R304Q; p.Arg364Gln; c.1091G>A, p.Arg364Gln (NM_000131.5); c.839G>A, p.Arg280Gln (NM_001267554.2); short protein forms R342Q, R364Q, R280Q.
Identifiers: ClinVar variation 420159 (VCV000420159.53), dbSNP rs121964926, ClinGen allele CA7060219.

ClinVar aggregate classification (germline): Pathogenic/Likely pathogenic; other. Review status: criteria provided, multiple submitters, no conflicts (2 of 4 stars). 14 submissions from 14 submitters: Pathogenic (10); Likely pathogenic (1). 2 of the submissions do not count toward it. Last evaluated 2025-11-30.

Conditions:
Myocardial infarction, susceptibility to. Identifiers: MedGen C1832662, MONDO:0012039, OMIM 608446.
Congenital factor VII deficiency. Identifiers: Orphanet 327, MedGen C0272320, MONDO:0009211, OMIM 227500.
F7-related disorder. Also called: F7-related condition.
F7-related disorders.
Factor VII Padua. Identifiers: MedGen C0214776.
Factor VII deficiency. Also called: F7 DEFICIENCY; Factor 7 deficiency; HYPOPROCONVERTINEMIA. Identifiers: MedGen C0015503, MeSH D005168, MONDO:0002244.

Allele frequency attached by ClinVar (database versions not stated): gnomAD exomes 0.00015 and 0.00040; ExAC 0.00052; gnomAD 0.00115 and 0.00118; TOPMed 0.00129; 1000 Genomes Project 0.00240; 1000 Genomes Project 30x 0.00265.
gnomAD v4.1: 397 of 1,612,842 alleles (0.025%); highest among the groups gnomAD compares: African/African-American, 0.38%; no homozygotes.

Submissions (14):

GeneDx
Classification: Pathogenic. Last evaluated: 2025-11-30. Review status: criteria provided, single submitter. Criteria: GeneDx Variant Classification Process June 2021. Collection method: clinical testing. Allele origin: germline. Affected: yes.
Comment: Observed in apparent homozygous state in multiple unrelated patients in published literature and not observed in homozygous state in controls (PMID: 20958793, 25828579, 35802509, 36760778); Published studies demonstrate most individuals exhibit prolonged prothrombin times (PT) and F7 activity below 10% using rabbit brain thromboplastin, but normal PT and F7 activity using ox brain thromboplastin and intermediate values with human brain thromboplastin, while purified FVII protein from one individual homozygous for R364Q exhibited no detectable FVII clotting activity (PMID: 2070047, 20040857); In silico analysis suggests that this missense variant does not alter protein structure/function; Also known as R304Q and F7-Padua; This variant is associated with the following publications: (PMID: 31589614, 8242057, 8043443, 22995991, 18976247, 8883260, 15590402, 34598035, 32472540, 34342048, 21902896, 24711753, 12903033, 11313743, 1634227, 15970722, 10959697, 22873696, 20040857, 25828579, 26105150, 25863091, 34426522, 2070047, 20958793, 36760778, 36719811, 38202056, 38387429, 37647632, 35802509)

Women's Health and Genetics/Laboratory Corporation of America, LabCorp
Classification: Pathogenic for Congenital factor VII deficiency. Last evaluated: 2025-06-12. Review status: criteria provided, single submitter. Criteria: LabCorp Variant Classification Summary - May 2015. Collection method: clinical testing. Allele origin: germline.
Comment: Variant summary: F7 c.1091G>A (p.Arg364Gln) results in a conservative amino acid change in the encoded protein sequence. Algorithms developed to predict the effect of missense changes on protein structure and function are either unavailable or do not agree on the potential impact of this missense change. The variant allele was found at a frequency of 0.0004 in 248844 control chromosomes. This frequency is not significantly higher than estimated for a pathogenic variant in F7 causing Congenital factor VII deficiency, allowing no conclusion about variant significance. c.1091G>A has been observed in multiple individuals affected with Congenital factor VII deficiency (example: Obrien_1991, Ding_2003, Girolami_2011). These data indicate that the variant is very likely to be associated with disease. The following publications have been ascertained in the context of this evaluation (PMID: 2070047, 12903033, 20958793). ClinVar contains an entry for this variant (Variation ID: 420159). Based on the evidence outlined above, the variant was classified as pathogenic.

Mayo Clinic Laboratories, Mayo Clinic
Classification: Pathogenic. Last evaluated: 2025-05-22. Review status: criteria provided, single submitter. Criteria: ACMG Guidelines, 2015. Collection method: clinical testing. Allele origin: germline. Observed: 24 variant alleles.
Comment: PP3, PM3_very_strong, PM5, PS3, PS4_very_strong

3billion
Classification: Pathogenic for Congenital factor VII deficiency. Last evaluated: 2025-01-17. Review status: criteria provided, single submitter. Criteria: ACMG Guidelines, 2015. Collection method: clinical testing. Allele origin: germline. Affected: yes.
Comment: The variant is observed at an extremely low frequency in the gnomAD v4.1.0 dataset (total allele frequency: 0.025%). Predicted Consequence/Location: Missense variant In silico tool predictions suggest damaging effect of the variant on gene or gene product [REVEL: 0.68 (>=0.6, sensitivity 0.68 and specificity 0.92); 3Cnet: 0.99 (>=0.6, sensitivity 0.72 and precision 0.9)]. The same nucleotide change resulting in the same amino acid change has been previously reported as pathogenic/likely pathogenic with strong evidence (ClinVar ID: VCV000420159 /PMID: 2070047). The variant has been reported to be in trans with a pathogenic variant as either compound heterozygous or homozygous in at least one similarly affected unrelated individual (PMID: 21902896). Different missense changes at the same codon (p.Arg342Gly, p.Arg342Trp) have been reported to be associated with F7-related disorder (ClinVar ID: VCV000626967, VCV003349591 /PMID: 36760778, 8125953). Therefore, this variant is classified as Pathogenic according to the recommendation of ACMG/AMP guideline.

Blueprint Genetics
Classification: Pathogenic for F7-related disorders. Last evaluated: 2024-09-04. Review status: criteria provided, single submitter. Criteria: ACMG Guidelines, 2015. Collection method: clinical testing. Allele origin: germline. Affected: yes. Observed: 5 variant alleles.

Fulgent Genetics
Classification: Pathogenic for Congenital factor VII deficiency; Myocardial infarction, susceptibility to. Last evaluated: 2024-03-20. Review status: criteria provided, single submitter. Criteria: ACMG Guidelines, 2015. Collection method: clinical testing. Allele origin: germline.

CeGaT Center for Human Genetics Tuebingen
Classification: Pathogenic. Last evaluated: 2022-09-01. Review status: criteria provided, single submitter. Criteria: CeGaT Center For Human Genetics Tuebingen Variant Classification Criteria Version 2. Collection method: clinical testing. Allele origin: germline. Affected: yes. Observed: 1 variant allele.
Comment: F7: PS4, PM3, PM5, PM2:Supporting, PS3:Supporting

Revvity Omics, Revvity
Classification: Likely pathogenic for Congenital factor VII deficiency. Last evaluated: 2020-10-09. Review status: criteria provided, single submitter. Criteria: ACMG Guidelines, 2015. Collection method: clinical testing. Allele origin: germline.

Illumina Laboratory Services, Illumina
Classification: Pathogenic for Congenital factor VII deficiency. Last evaluated: 2018-10-23. Review status: criteria provided, single submitter. Criteria: ICSL Variant Classification Criteria 09 May 2019. Collection method: clinical testing. Allele origin: germline.
Comment: The F7 c.1091G>A (p.Arg364Gln) missense variant, also commonly referred to in the literature as p.Arg304Gln or the "Pauda" variant, has been reported in at least eight studies in which it is identified in at least 70 individuals, including 11 clinically symptomatic homozygotes and two clinically symptomatic compound heterozygotes (Ding et al. 2003; Marty et al. 2008; Girolami et al. 2011; Rabelo et al. 2015). The p.Arg364Gln variant has also been reported in at least 19 clinically asymptomatic homozygotes with lower factor VII activity than wildtype (O'Brien et al. 1991; Girolami et al. 2011; Rabelo et al. 2015). The variant is present at a frequency of 0.00908 in the African population of the 1000 Genomes Project. This allele frequency is high but may be consistent with disease prevalence and the fact that many individuals with factor VII deficiency are clinically asymptomatic. Girolami et al. (2011) found the mean levels of activated FVII in six homozygotes to be significantly lower than the activated FVII levels in 21 normal controls. Further, the variant was associated with reduced factor VII activity when assayed with rabbit brain thromboplastin, however, the activity levels varied between the use of human placenta, recombinant human or ox-brain thromboplastin (O'Brien et al. 1991; Kirkel et al. 2010; Girolami et al. 2011; Girolami et al. 2011; Rabelo et al. 2015). Based on the collective evidence, the p.Arg364Gln variant is classified as a pathogenic risk factor for factor VII deficiency. This variant was observed by ICSL as part of a predisposition screen in an ostensibly healthy population.

Knight Diagnostic Laboratories, Oregon Health and Sciences University
Classification: Pathogenic for Factor VII deficiency. Last evaluated: 2018-07-12. Review status: criteria provided, single submitter. Criteria: ACMG Guidelines, 2015. Collection method: clinical testing. Allele origin: germline. Observed: 1 variant allele.

Eurofins Ntd Llc (ga)
Classification: other. Last evaluated: 2017-10-30. Review status: criteria provided, single submitter. Criteria: EGL Classification Definitions 2015. Collection method: clinical testing. Allele origin: germline. Observed: 1 variant allele, 1 heterozygote.

ISTH-SSC Genomics in Thrombosis and Hemostasis, KU Leuven, Center for Molecular and Vascular Biology
Classification: Pathogenic for Congenital factor VII deficiency. Review status: criteria provided, single submitter. Criteria: ACMG Guidelines, 2015. Collection method: clinical testing. Allele origin: germline. Affected: yes. Observed: 1 heterozygote.
Comment: Submitted to the GoldVariant database by Kathleen Freson, Center for Molecular and Vascular Biology

PreventionGenetics, part of Exact Sciences
Classification: Pathogenic for F7-related condition. Last evaluated: 2024-07-23. Review status: no assertion criteria provided. Collection method: clinical testing. Allele origin: germline. Not counted in ClinVar's aggregate classification.
Comment: The F7 c.1091G>A variant is predicted to result in the amino acid substitution p.Arg364Gln. This variant is also described using legacy nomenclature as p.Arg304Gln, has been reported to be causative for autosomal recessive factor VII deficiency in several patients with varying clinical phenotypes ranging from asymptomatic to mild bleeding or severe bleeding after trauma (Girolami et al. 2011. PubMed ID: 21902896; Kirkel et al. 2010. PubMed ID: 20040857; O’Brien et al. 1991. PubMed ID: 2070047). Most patients with the p.Arg364Gln variant showed prolonged prothrombin times (PT); however, PT results using F7 protein with this variant are variable – ranging from severely reduced to normal – depending upon the source of substrate used for the biochemical test (O’Brien et al. 1991. PubMed ID: 2070047; Cristiani et al. 2013. PubMed ID: 24711753). The p.Arg364Gln substitution does not appear to alter F7 protein levels, rather, it appears to alter substrate binding (see for example O’Brien et al. 1991. PubMed ID: 2070047; Cristiani et al. 2013. PubMed ID: 24711753). Other substitutions of amino acid p.Arg364 have been reported in patients with Factor VII deficiency (e.g. p.Arg364Trp, Matsushita et al. 1994. PubMed ID: 8125953, Cristiani et al. 2013. PubMed ID: 24711753) suggesting that amino acid residue p.Arg364 is important for proper F7 protein function. Given all the evidence, we interpret c.1091G>A (p.Arg364Gln) as pathogenic.

OMIM
Classification: Pathogenic for FACTOR VII PADUA. Last evaluated: 1992-07-01. Review status: no assertion criteria provided. Collection method: literature only. Allele origin: germline. Not counted in ClinVar's aggregate classification.

Literature cited by the submitters: PubMed 12903033 (cited by 3 submitters); PubMed 20958793 (cited by Women's Health and Genetics/Laboratory Corporation of America, LabCorp and Illumina Laboratory Services, Illumina); PubMed 2070047 (cited by 5 submitters); PubMed 10959697 (cited by Mayo Clinic Laboratories, Mayo Clinic); PubMed 11313743 (cited by Mayo Clinic Laboratories, Mayo Clinic); PubMed 12695753 (cited by Mayo Clinic Laboratories, Mayo Clinic); PubMed 16753603 (cited by Mayo Clinic Laboratories, Mayo Clinic); PubMed 24711753 (cited by Mayo Clinic Laboratories, Mayo Clinic); PubMed 32333443 (cited by Mayo Clinic Laboratories, Mayo Clinic); PubMed 34342048 (cited by Mayo Clinic Laboratories, Mayo Clinic); PubMed 35356632 (cited by Mayo Clinic Laboratories, Mayo Clinic); PubMed 35552711 (cited by Mayo Clinic Laboratories, Mayo Clinic); PubMed 35802509 (cited by Mayo Clinic Laboratories, Mayo Clinic); PubMed 36719811 (cited by Mayo Clinic Laboratories, Mayo Clinic); PubMed 36760778 (cited by Mayo Clinic Laboratories, Mayo Clinic and 3billion); PubMed 38387429 (cited by Mayo Clinic Laboratories, Mayo Clinic); PubMed 38783550 (cited by Mayo Clinic Laboratories, Mayo Clinic); PubMed 627745 (cited by Mayo Clinic Laboratories, Mayo Clinic); PubMed 8043443 (cited by Mayo Clinic Laboratories, Mayo Clinic); PubMed 8448207 (cited by Mayo Clinic Laboratories, Mayo Clinic); PubMed 21902896 (cited by 3billion and Illumina Laboratory Services, Illumina); PubMed 25828579 (cited by Illumina Laboratory Services, Illumina); PubMed 18282149 (cited by Illumina Laboratory Services, Illumina); PubMed 20040857 (cited by Illumina Laboratory Services, Illumina); PubMed 1634227 (cited by OMIM); PubMed 6812354 (cited by OMIM).